The following is an entry in ClinVar:

NM_001367721.1(CASK):c.665_666delinsT (p.Thr222fs)

Gene: CASK (calcium/calmodulin dependent serine protein kinase; minus strand). Cytogenetic location: Xp11.4.
Variant type: Indel.
Coding change: c.665_666delinsT on transcript NM_001367721.1 (MANE Select); coding-DNA positions 665 to 666, CC replaced by T.
Protein change: p.Thr222fs; shifts the reading frame from threonine 222.
Molecular consequence: frameshift variant.
Genome position (GRCh38, 1-based): chrX:41,665,319-41,665,320, GG replaced by A on the plus strand (CC replaced by T on the coding strand, the reverse complement: CASK is on the minus strand). VCF-style: chrX-41665319-GG-A. GRCh37 (hg19) VCF-style: chrX-41524572-GG-A.
Other names: c.665_666delinsT, p.Thr222fs (NM_001126054.3, NM_001126055.3, NM_001410745.1 and 1 more transcripts); short protein forms T222fs.
Identifiers: ClinVar variation 4690245 (VCV004690245.1).

ClinVar aggregate classification (germline): Likely pathogenic (1 of 4 stars; one submission).

Conditions:
Syndromic X-linked intellectual disability Najm type (MICPCH). Also called: Mental retardation and microcephaly with pontine and cerebellar hypoplasia; Intellectual Disability and Microcephaly with Pontine and Cerebellar Hypoplasia; MICPCH SYNDROME; Intellectual developmental disorder and microcephaly with pontine and cerebellar hypoplasia; MENTAL RETARDATION, X-LINKED, SYNDROMIC, NAJM TYPE; Intellectual Disability and Microcephaly with Pontine and Cerebellar Hypoplasia (MICPCH). Identifiers: Orphanet 163937, MedGen C2677903, MONDO:0010417, OMIM 300749.

Submission:

Ozbek Human Genetics Laboratory, Izmir Biomedicine and Genome Center
Classification: Likely pathogenic for Syndromic X-linked intellectual disability Najm type. Review status: criteria provided, single submitter. Criteria: ACMG Guidelines, 2015. Collection method: research. Allele origin: germline. Inheritance: X-linked inheritance. Affected: yes. Observed: 1 heterozygote.
Comment: A frameshift variant, (NM_001367721.1):c.665_666delinsT (p.Thr222Ilefs*16), was detected in exon 7 of the CASK gene. This variant disrupts the reading frame, resulting in a premature stop codon which is predicted to lead to nonsense-mediated mRNA decay (NMD) in a gene where loss of function is a known mechanism of disease (PVS1). The variant is absent from large population control databases (gnomAD) (PM2). Based on these findings, this variant is classified as Pathogenic according to the ACMG criteria. Data obtained via the RAREBOOST project (Horizon 2020 ERA Chairs at Izmir Biomedicine and Genome Center - IBG).